The following is an entry in ClinVar:

ClinVar aggregate classification (germline): Uncertain significance (1 of 4 stars; one submission).

Conditions:
Developmental and epileptic encephalopathy, 9 (DEE9). Also called: EPILEPSY, FEMALE-RESTRICTED, WITH MENTAL RETARDATION; Early infantile epileptic encephalopathy 9; JUBERG-HELLMAN SYNDROME; PCDH19-Related X-Linked Female-Limited Epilepsy with Mental Retardation. Identifiers: Orphanet 101039, Orphanet 2076, MedGen C1848137, MONDO:0010246, OMIM 300088. Disease mechanism: loss of function.

Submission:

Labcorp Genetics (formerly Invitae), Labcorp
Classification: Uncertain significance for Developmental and epileptic encephalopathy, 9. Last evaluated: 2022-07-19. Review status: criteria provided, single submitter. Criteria: Invitae Variant Classification Sherloc (09022015). Collection method: clinical testing. Allele origin: germline.
Comment: In summary, the available evidence is currently insufficient to determine the role of this variant in disease. Therefore, it has been classified as a Variant of Uncertain Significance. Algorithms developed to predict the effect of missense changes on protein structure and function are either unavailable or do not agree on the potential impact of this missense change (SIFT: "Deleterious"; PolyPhen-2: "Possibly Damaging"; Align-GVGD: "Class C0"). This variant has not been reported in the literature in individuals affected with PCDH19-related conditions. This variant is not present in population databases (gnomAD no frequency). This sequence change replaces lysine, which is basic and polar, with isoleucine, which is neutral and non-polar, at codon 780 of the PCDH19 protein (p.Lys780Ile).

NM_001184880.2(PCDH19):c.2339A>T (p.Lys780Ile)

Genes: PCDH19 (protocadherin 19; minus strand), LOC125467768 (CDK7 strongly-dependent group 2 enhancer GRCh37_chrX:99657381-99658580; plus strand). Cytogenetic location: Xq22.1.
Variant type: single nucleotide variant.
Coding change: c.2339A>T on transcript NM_001184880.2 (MANE Select); coding-DNA position 2339, A replaced by T.
Protein change: p.Lys780Ile; replaces lysine 780 with isoleucine.
Molecular consequence: missense variant.
Genome position (GRCh38, 1-based): chrX:100,402,801, T>A on the plus strand (A>T on the coding strand, the complement: PCDH19 is on the minus strand). VCF-style: chrX-100402801-T-A. GRCh37 (hg19) VCF-style: chrX-99657799-T-A.
Other names: c.2198A>T, p.Lys733Ile (NM_001105243.2, NM_020766.3); short protein forms K733I, K780I.
Identifiers: ClinVar variation 2010826 (VCV002010826.4), dbSNP rs2520957617, ClinGen allele CA414006199.
Genomic context (GRCh38, chrX:100,402,801, plus strand): 5'-TTCATCTTGTCTGTCTCCTCCACATCCCGGGGTACCAGGCGGATGTCATTCTTACTGATT[T>A]TTTTCTTCTTGCTTGATTTCTTTTGATGCCCATAGGAGTACTCAGCAATTCTATGTGACA-3'
Protein context (NP_001171809.1, residues 770-790): GHQKKSSKKK[Lys780Ile]ISKNDIRLVP